The following is an entry in ClinVar:

NM_000064.4(C3):c.1417G>A (p.Val473Ile)

Gene: C3 (complement C3; minus strand). Cytogenetic location: 19p13.3.
Variant type: single nucleotide variant.
Coding change: c.1417G>A on transcript NM_000064.4 (MANE Select); coding-DNA position 1417, G replaced by A.
Protein change: p.Val473Ile; replaces valine 473 with isoleucine.
Molecular consequence: missense variant.
Genome position (GRCh38, 1-based): chr19:6,711,049, C>T on the plus strand (G>A on the coding strand, the complement: C3 is on the minus strand). VCF-style: chr19-6711049-C-T. GRCh37 (hg19) VCF-style: chr19-6711060-C-T.
Other names: short protein forms V473I.
Identifiers: ClinVar variation 3684604 (VCV003684604.2).
Genomic context (GRCh38, chr19:6,711,049, plus strand): 5'-GGTAGGTGTAGTAGCGGATCTTGGCCTCGTGGGCGCGGTCCATTCGCAGGAGGAAGTTGA[C>T]GTTGAGGGTCTCCCCGGGTCTGAGCTCTGTACGTAGCACTGAGAGATGCAGGTAATTGTT-3'
Protein context (NP_000055.2, residues 463-483): TELRPGETLN[Val473Ile]NFLLRMDRAH

ClinVar aggregate classification (germline): Uncertain significance (1 of 4 stars; one submission).

gnomAD v4.1: 6 of 1,614,012 alleles (0.00037%); highest among the groups gnomAD compares: African/African-American, 0.0013%; no homozygotes.

Submission:

Labcorp Genetics (formerly Invitae), Labcorp
Classification: Uncertain significance. Last evaluated: 2024-03-12. Review status: criteria provided, single submitter. Criteria: Invitae Variant Classification Sherloc (09022015). Collection method: clinical testing. Allele origin: germline.
Comment: This sequence change replaces valine, which is neutral and non-polar, with isoleucine, which is neutral and non-polar, at codon 473 of the C3 protein (p.Val473Ile). This variant is present in population databases (rs777661661, gnomAD 0.006%). This variant has not been reported in the literature in individuals affected with C3-related conditions. Advanced modeling of protein sequence and biophysical properties (such as structural, functional, and spatial information, amino acid conservation, physicochemical variation, residue mobility, and thermodynamic stability) performed at Invitae indicates that this missense variant is not expected to disrupt C3 protein function with a negative predictive value of 80%. In summary, the available evidence is currently insufficient to determine the role of this variant in disease. Therefore, it has been classified as a Variant of Uncertain Significance.